The following is an entry in ClinVar:

ClinVar aggregate classification (germline): Uncertain significance. Review status: criteria provided, multiple submitters, no conflicts (2 of 4 stars). 3 submissions from 3 submitters: Uncertain significance (3). Last evaluated 2025-08-02.

Conditions:
MKKS-related disorder. Also called: MKKS-related condition; MKKS-related disorders.
Bardet-Biedl syndrome (BBS). Identifiers: Orphanet 110, MedGen C0752166, MONDO:0015229.
McKusick-Kaufman syndrome (MKKS). Also called: HYDROMETROCOLPOS SYNDROME; HYDROMETROCOLPOS, POSTAXIAL POLYDACTYLY, AND CONGENITAL HEART MALFORMATION. Identifiers: Orphanet 2473, MedGen C0948368, MONDO:0009367, OMIM 236700.
Inborn genetic diseases. Identifiers: MedGen C0950123, MeSH D030342.

Allele frequency attached by ClinVar (database versions not stated): gnomAD exomes below 0.00001; ExAC 0.00001; gnomAD 0.00001.
gnomAD v4.1: 3 of 1,614,006 alleles (0.00019%); highest among the groups gnomAD compares: African/African-American, 0.0027%; no homozygotes.

Submissions (3):

Ambry Genetics
Classification: Uncertain significance for Inborn genetic diseases. Last evaluated: 2025-08-02. Review status: criteria provided, single submitter. Criteria: Ambry Variant Classification Scheme 2023. Collection method: clinical testing. Allele origin: germline.

PreventionGenetics, part of Exact Sciences
Classification: Uncertain significance for MKKS-related condition. Last evaluated: 2023-01-30. Review status: criteria provided, single submitter. Criteria: ACMG Guidelines, 2015. Collection method: clinical testing. Allele origin: germline.
Comment: The MKKS c.511A>G variant is predicted to result in the amino acid substitution p.Thr171Ala. To our knowledge, this variant has not been reported in the literature. This variant is reported in 0.0062% of alleles in individuals of African descent in gnomAD. At this time, the clinical significance of this variant is uncertain due to the absence of conclusive functional and genetic evidence.

Labcorp Genetics (formerly Invitae), Labcorp
Classification: Uncertain significance for McKusick-Kaufman syndrome; Bardet-Biedl syndrome. Last evaluated: 2022-07-03. Review status: criteria provided, single submitter. Criteria: Invitae Variant Classification Sherloc (09022015). Collection method: clinical testing. Allele origin: germline.
Comment: This sequence change replaces threonine, which is neutral and polar, with alanine, which is neutral and non-polar, at codon 171 of the MKKS protein (p.Thr171Ala). This variant is present in population databases (rs775145290, gnomAD 0.007%). This variant has not been reported in the literature in individuals affected with MKKS-related conditions. Algorithms developed to predict the effect of missense changes on protein structure and function output the following: SIFT: "Tolerated"; PolyPhen-2: "Benign"; Align-GVGD: "Class C0". The alanine amino acid residue is found in multiple mammalian species, which suggests that this missense change does not adversely affect protein function. In summary, the available evidence is currently insufficient to determine the role of this variant in disease. Therefore, it has been classified as a Variant of Uncertain Significance.

NM_170784.3(MKKS):c.511A>G (p.Thr171Ala)

Gene: MKKS (MKKS centrosomal shuttling protein; minus strand). Cytogenetic location: 20p12.2.
Variant type: single nucleotide variant.
Coding change: c.511A>G on transcript NM_170784.3 (MANE Select); coding-DNA position 511, A replaced by G.
Protein change: p.Thr171Ala; replaces threonine 171 with alanine.
Molecular consequence: missense variant.
Genome position (GRCh38, 1-based): chr20:10,413,004, T>C on the plus strand (A>G on the coding strand, the complement: MKKS is on the minus strand). VCF-style: chr20-10413004-T-C. GRCh37 (hg19) VCF-style: chr20-10393652-T-C.
Other names: c.511A>G (NM_018848.2); c.511A>G, p.Thr171Ala (NM_018848.3); short protein forms T171A.
Identifiers: ClinVar variation 2013401 (VCV002013401.3), dbSNP rs775145290, ClinGen allele CA9763663.